The following is an entry in ClinVar:

ClinVar aggregate classification (germline): Likely benign. Review status: criteria provided, single submitter (1 of 4 stars). 2 submissions from 2 submitters: Likely benign (1). 1 of the submissions does not count toward it. Last evaluated 2025-12-22.

Conditions:
RAI1-related disorder. Also called: RAI1-related condition.

Allele frequency attached by ClinVar (database versions not stated): gnomAD 0.00005; TOPMed 0.00005; ExAC 0.00007; ESP Exome Variant Server 0.00008.
gnomAD v4.1: 45 of 1,613,774 alleles (0.0028%); highest among the groups gnomAD compares: East Asian, 0.022%; no homozygotes.

Submissions (2):

Labcorp Genetics (formerly Invitae), Labcorp
Classification: Likely benign. Last evaluated: 2025-12-22. Review status: criteria provided, single submitter. Criteria: Invitae Variant Classification Sherloc (09022015). Collection method: clinical testing. Allele origin: germline.

PreventionGenetics, part of Exact Sciences
Classification: Likely benign for RAI1-related condition. Last evaluated: 2024-05-07. Review status: no assertion criteria provided. Collection method: clinical testing. Allele origin: germline. Not counted in ClinVar's aggregate classification.
Comment: This variant is classified as likely benign based on ACMG/AMP sequence variant interpretation guidelines (Richards et al. 2015 PMID: 25741868, with internal and published modifications).

NM_030665.4(RAI1):c.4726C>T (p.Arg1576Cys)

Gene: RAI1 (retinoic acid induced 1; plus strand). Cytogenetic location: 17p11.2.
Variant type: single nucleotide variant.
Coding change: c.4726C>T on transcript NM_030665.4 (MANE Select); coding-DNA position 4726, C replaced by T.
Protein change: p.Arg1576Cys; replaces arginine 1576 with cysteine.
Molecular consequence: missense variant.
Genome position (GRCh38, 1-based): chr17:17,797,674, C>T. VCF-style: chr17-17797674-C-T. GRCh37 (hg19) VCF-style: chr17-17700988-C-T.
Other names: c.4726C>T (NM_030665.3); short protein forms R1576C.
Identifiers: ClinVar variation 1499558 (VCV001499558.8), dbSNP rs199790171, ClinGen allele CA8419016.
Genomic context (GRCh38, chr17:17,797,674, plus strand): 5'-CGTGCCAAGCGACGACGACAGCAGCAGGTGCTGCCCCTGGATCCCGCAGAGCCTGAAATC[C>T]GCCTCAAGTACATTTCCTCTTGCAAGCGGCTGAGGTCAGACAGCCGGACCCCCGCCTTCT-3'
Protein context (NP_109590.3, residues 1566-1586): LPLDPAEPEI[Arg1576Cys]LKYISSCKRL